The following is an entry in ClinVar:

ClinVar aggregate classification (germline): Benign (1 of 4 stars; one submission).

Conditions:
X-linked lymphoproliferative disease due to XIAP deficiency. Also called: XIAP DEFICIENCY; XIAP-Related Lymphoproliferative Disease, X-Linked. Identifiers: Orphanet 2442, Orphanet 538934, MedGen C1845076, MONDO:0010385, OMIM 300635.

Allele frequency attached by ClinVar (database versions not stated): ExAC 0.00048; 1000 Genomes Project 0.00053; gnomAD exomes 0.00064; 1000 Genomes Project 30x 0.00083; TOPMed 0.00092; gnomAD 0.00105 and 0.00109.

Submission:

Illumina Laboratory Services, Illumina
Classification: Benign for X-linked lymphoproliferative disease due to XIAP deficiency. Last evaluated: 2018-01-12. Review status: criteria provided, single submitter. Criteria: ICSL Variant Classification Criteria 13 December 2019. Collection method: clinical testing. Allele origin: germline.
Comment: This variant was observed in the ICSL laboratory as part of a predisposition screen in an ostensibly healthy population. It had not been previously curated by ICSL or reported in the Human Gene Mutation Database (HGMD: prior to June 1st, 2018), and was therefore a candidate for classification through an automated scoring system. Utilizing variant allele frequency, disease prevalence and penetrance estimates, and inheritance mode, an automated score was calculated to assess if this variant is too frequent to cause the disease. Based on the score and internal cut-off values, a variant classified as benign is not then subjected to further curation. The score for this variant resulted in a classification of benign for this disease.

NM_001167.4(XIAP):c.*2622G>A

Gene: XIAP (X-linked inhibitor of apoptosis; plus strand). Cytogenetic location: Xq25.
Variant type: single nucleotide variant.
Coding change: c.*2622G>A on transcript NM_001167.4 (MANE Select); 2622 bases downstream of the stop codon, G replaced by A.
Molecular consequence: 3 prime UTR variant. On other transcripts: non-coding transcript variant (2).
Genome position (GRCh38, 1-based): chrX:123,909,803, G>A. VCF-style: chrX-123909803-G-A. GRCh37 (hg19) VCF-style: chrX-123043653-G-A.
Other names: c.*2622G>A (NM_001204401.2, NM_001378590.1, NM_001378591.1 and 1 more transcripts).
Identifiers: ClinVar variation 367812 (VCV000367812.5), dbSNP rs778277646, ClinGen allele CA10508283.
Genomic context (GRCh38, chrX:123,909,803, plus strand): 5'-CAACGCTGATGTGGCTAACAAGTTTATTTTAAGAATTGTTTAGAAATGCTGTTGCTTCAG[G>A]TTCTTAAAATCACTCAGCACTCCAACTTCTAATCAAATTTTTGGAGACTTAACAGCATTT-3'